The following is an entry in ClinVar:

ClinVar aggregate classification (germline): Likely benign (0 of 4 stars; one submission).

Conditions:
GAR1-related disorder. Also called: GAR1-related condition.

Submissions (2):

PreventionGenetics, part of Exact Sciences
Classification: Likely benign for GAR1-related condition. Last evaluated: 2022-12-07. Review status: no assertion criteria provided. Collection method: clinical testing. Allele origin: germline.
Comment: This variant is classified as likely benign based on ACMG/AMP sequence variant interpretation guidelines (Richards et al. 2015 PMID: 25741868, with internal and published modifications).

Dr. Peter K. Rogan Lab, Western University
No classification provided (evidence only). Condition: Ovarian cancer. Review status: no classification provided. Collection method: in vitro. Allele origin: not applicable. Functional consequence: skipped exon, retained intron. Not counted in ClinVar's aggregate classification.

NM_018983.4(GAR1):c.93TGGAGGCGGCGG[1] (p.Gly36_Gly39del)

Genes: GAR1 (GAR1 ribonucleoprotein; plus strand), LOC129992957 (ATAC-STARR-seq lymphoblastoid active region 21811; plus strand). Cytogenetic location: 4q25.
Variant type: Microsatellite.
Coding change: c.93TGGAGGCGGCGG[1] on transcript NM_018983.4 (MANE Select); one copy of the 12-base unit TGGAGGCGGCGG starting at c.93; the reference has two copies in a row; one copy, 12 bases deleted; also written c.105_116del.
Protein change: p.Gly36_Gly39del.
Genome position (GRCh38, 1-based): chr4:109,816,269-109,816,280, TGGAGGCGGCGG deleted; deleting any 12 consecutive bases within chr4:109,816,255-109,816,280 gives the same sequence; the position shown is the placement nearest the transcript's 3' end. VCF-style (leftmost placement, unchanged base first): chr4-109816254-AGGTGGAGGCGGC-A. GRCh37 (hg19) VCF-style: chr4-110737410-AGGTGGAGGCGGC-A.
Other names: NC_000004.11:g.110737425_110737436del; c.93TGGAGGCGGCGG[1], p.Gly36_Gly39del (NM_032993.2); c.105_116del (NM_018983.4); c.105_116del12 (NM_032993.2).
Identifiers: ClinVar variation 3051644 (VCV003051644.3), dbSNP rs765203160, ClinGen allele CA3042424.